The following is an entry in ClinVar:

ClinVar aggregate classification (germline): Uncertain significance (1 of 4 stars; one submission).

Allele frequency attached by ClinVar (database versions not stated): gnomAD 0.00001; ExAC 0.00002; gnomAD exomes 0.00002.
gnomAD v4.1: 18 of 1,613,986 alleles (0.0011%); highest among the groups gnomAD compares: East Asian, 0.0022%; no homozygotes.

Submission:

Labcorp Genetics (formerly Invitae), Labcorp
Classification: Uncertain significance. Last evaluated: 2022-03-02. Review status: criteria provided, single submitter. Criteria: Invitae Variant Classification Sherloc (09022015). Collection method: clinical testing. Allele origin: germline.
Comment: This sequence change replaces alanine, which is neutral and non-polar, with threonine, which is neutral and polar, at codon 292 of the DDRGK1 protein (p.Ala292Thr). This variant is present in population databases (rs773185457, gnomAD 0.004%). This variant has not been reported in the literature in individuals affected with DDRGK1-related conditions. Algorithms developed to predict the effect of missense changes on protein structure and function output the following: SIFT: "Not Available"; PolyPhen-2: "Benign"; Align-GVGD: "Not Available". The threonine amino acid residue is found in multiple mammalian species, which suggests that this missense change does not adversely affect protein function. In summary, the available evidence is currently insufficient to determine the role of this variant in disease. Therefore, it has been classified as a Variant of Uncertain Significance.

NM_023935.3(DDRGK1):c.874G>A (p.Ala292Thr)

Gene: DDRGK1 (DDRGK domain containing 1; minus strand). Cytogenetic location: 20p13.
Variant type: single nucleotide variant.
Coding change: c.874G>A on transcript NM_023935.3 (MANE Select); coding-DNA position 874, G replaced by A.
Protein change: p.Ala292Thr; replaces alanine 292 with threonine.
Molecular consequence: missense variant.
Genome position (GRCh38, 1-based): chr20:3,190,724, C>T on the plus strand (G>A on the coding strand, the complement: DDRGK1 is on the minus strand). VCF-style: chr20-3190724-C-T. GRCh37 (hg19) VCF-style: chr20-3171370-C-T.
Other names: short protein forms A292T.
Identifiers: ClinVar variation 1362899 (VCV001362899.3), dbSNP rs773185457, ClinGen allele CA9740726.
Genomic context (GRCh38, chr20:3,190,724, plus strand): 5'-CTTGGGCAGGGGACTCCCGGCCCCAGGCGATGAGGGAGTTGCTGGCTTGGGCAAGCTCGG[C>T]GATGGACACCCGGCCCCGCTGTCGGATGAAGTTGGCCACGGCGGCCAGTTCCTCTGGGGT-3'
Protein context (NP_076424.1, residues 282-302): FIRQRGRVSI[Ala292Thr]ELAQASNSLI